The following is an entry in ClinVar:

ClinVar aggregate classification (germline): Uncertain significance (1 of 4 stars; one submission).

Submission:

Labcorp Genetics (formerly Invitae), Labcorp
Classification: Uncertain significance. Last evaluated: 2024-12-22. Review status: criteria provided, single submitter. Criteria: Invitae Variant Classification Sherloc (09022015). Collection method: clinical testing. Allele origin: germline.
Comment: This sequence change replaces alanine, which is neutral and non-polar, with proline, which is neutral and non-polar, at codon 2472 of the CPLANE1 protein (p.Ala2472Pro). This variant is not present in population databases (gnomAD no frequency). This variant has not been reported in the literature in individuals affected with CPLANE1-related conditions. Invitae Evidence Modeling of protein sequence and biophysical properties (such as structural, functional, and spatial information, amino acid conservation, physicochemical variation, residue mobility, and thermodynamic stability) indicates that this missense variant is not expected to disrupt CPLANE1 protein function with a negative predictive value of 95%. In summary, the available evidence is currently insufficient to determine the role of this variant in disease. Therefore, it has been classified as a Variant of Uncertain Significance.

NM_001384732.1(CPLANE1):c.7414G>C (p.Ala2472Pro)

Gene: CPLANE1 (ciliogenesis and planar polarity effector complex subunit 1; minus strand). Cytogenetic location: 5p13.2.
Variant type: single nucleotide variant.
Coding change: c.7414G>C on transcript NM_001384732.1 (MANE Select); coding-DNA position 7414, G replaced by C.
Protein change: p.Ala2472Pro; replaces alanine 2472 with proline.
Molecular consequence: missense variant.
Genome position (GRCh38, 1-based): chr5:37,165,658, C>G on the plus strand (G>C on the coding strand, the complement: CPLANE1 is on the minus strand). VCF-style: chr5-37165658-C-G. GRCh37 (hg19) VCF-style: chr5-37165760-C-G.
Other names: c.7414G>C, p.Ala2472Pro (NM_023073.4); short protein forms A2472P.
Identifiers: ClinVar variation 3635367 (VCV003635367.2).